The following is an entry in ClinVar:

NM_001036.6(RYR3):c.14585G>A (p.Arg4862His)

Genes: AVEN (apoptosis and caspase activation inhibitor; minus strand), RYR3 (ryanodine receptor 3; plus strand). Cytogenetic location: 15q14.
Variant type: single nucleotide variant.
Coding change: c.14585G>A on transcript NM_001036.6 (MANE Select); coding-DNA position 14585, G replaced by A.
Protein change: p.Arg4862His; replaces arginine 4862 with histidine.
Molecular consequence: missense variant.
Genome position (GRCh38, 1-based): chr15:33,865,198, G>A. VCF-style: chr15-33865198-G-A. GRCh37 (hg19) VCF-style: chr15-34157399-G-A.
Other names: c.14570G>A, p.Arg4857His (NM_001243996.4); short protein forms R4862H, R4857H.
Identifiers: ClinVar variation 531047 (VCV000531047.11), dbSNP rs765872802, ClinGen allele CA7462144.

ClinVar aggregate classification (germline): Uncertain significance. Review status: criteria provided, multiple submitters, no conflicts (2 of 4 stars). 2 submissions from 2 submitters: Uncertain significance (2). Last evaluated 2024-02-23.

Conditions:
Epileptic encephalopathy. Identifiers: MedGen C0543888, HP:0200134.

Allele frequency attached by ClinVar (database versions not stated): TOPMed 0.00005; gnomAD 0.00001 and 0.00003; ExAC 0.00002; gnomAD exomes 0.00003.
gnomAD v4.1: 51 of 1,613,416 alleles (0.0032%); highest among the groups gnomAD compares: South Asian, 0.0099%; no homozygotes.

Submissions (2):

Labcorp Genetics (formerly Invitae), Labcorp
Classification: Uncertain significance for Epileptic encephalopathy. Last evaluated: 2024-02-23. Review status: criteria provided, single submitter. Criteria: Invitae Variant Classification Sherloc (09022015). Collection method: clinical testing. Allele origin: germline.
Comment: This sequence change replaces arginine, which is basic and polar, with histidine, which is basic and polar, at codon 4862 of the RYR3 protein (p.Arg4862His). This variant is present in population databases (rs765872802, gnomAD 0.004%). This variant has not been reported in the literature in individuals affected with RYR3-related conditions. ClinVar contains an entry for this variant (Variation ID: 531047). Advanced modeling of protein sequence and biophysical properties (such as structural, functional, and spatial information, amino acid conservation, physicochemical variation, residue mobility, and thermodynamic stability) has been performed at Invitae for this missense variant, however the output from this modeling did not meet the statistical confidence thresholds required to predict the impact of this variant on RYR3 protein function. In summary, the available evidence is currently insufficient to determine the role of this variant in disease. Therefore, it has been classified as a Variant of Uncertain Significance.

New York Genome Center
Classification: Uncertain significance. Last evaluated: 2020-06-30. Review status: criteria provided, single submitter. Criteria: NYGC Assertion Criteria 2020. Collection method: clinical testing. Allele origin: inherited. Affected: yes. Observed: 1 heterozygote. Study: CSER-NYCKidSeq.